The following is an entry in ClinVar:

NM_015295.3(SMCHD1):c.139G>C (p.Val47Leu)

Gene: SMCHD1 (structural maintenance of chromosomes flexible hinge domain containing 1; plus strand). Cytogenetic location: 18p11.32.
Variant type: single nucleotide variant.
Coding change: c.139G>C on transcript NM_015295.3 (MANE Select); coding-DNA position 139, G replaced by C.
Protein change: p.Val47Leu; replaces valine 47 with leucine.
Molecular consequence: missense variant.
Genome position (GRCh38, 1-based): chr18:2,656,214, G>C. VCF-style: chr18-2656214-G-C. GRCh37 (hg19) VCF-style: chr18-2656213-G-C.
Other names: short protein forms V47L.
Identifiers: ClinVar variation 4777828 (VCV004777828.1).

ClinVar aggregate classification (germline): Uncertain significance (1 of 4 stars; one submission).

Conditions:
Facioscapulohumeral muscular dystrophy 2 (FSHD2). Also called: MUSCULAR DYSTROPHY, FACIOSCAPULOHUMERAL, TYPE 1B; FACIOSCAPULOHUMERAL MUSCULAR DYSTROPHY 2, DIGENIC; FSHD2, DIGENIC. Identifiers: Orphanet 269, MedGen C1834671, MONDO:0008031, OMIM 158901.

Submission:

Labcorp Genetics (formerly Invitae), Labcorp
Classification: Uncertain significance for Facioscapulohumeral muscular dystrophy 2. Last evaluated: 2025-04-24. Review status: criteria provided, single submitter. Criteria: Invitae Variant Classification Sherloc (09022015). Collection method: clinical testing. Allele origin: germline.
Comment: This sequence change replaces valine, which is neutral and non-polar, with leucine, which is neutral and non-polar, at codon 47 of the SMCHD1 protein (p.Val47Leu). This variant is not present in population databases (gnomAD no frequency). This variant has not been reported in the literature in individuals affected with SMCHD1-related conditions. An algorithm developed to predict the effect of missense changes on protein structure and function outputs the following: PolyPhen-2: "Benign". The leucine amino acid residue is found in multiple mammalian species, which suggests that this missense change does not adversely affect protein function. In summary, the available evidence is currently insufficient to determine the role of this variant in disease. Therefore, it has been classified as a Variant of Uncertain Significance.